The following is an entry in ClinVar:

NM_002691.4(POLD1):c.201C>G (p.Asp67Glu)

Gene: POLD1 (DNA polymerase delta 1, catalytic subunit; plus strand). Cytogenetic location: 19q13.33.
Variant type: single nucleotide variant.
Coding change: c.201C>G on transcript NM_002691.4 (MANE Select); coding-DNA position 201, C replaced by G.
Protein change: p.Asp67Glu; replaces aspartic acid 67 with glutamic acid.
Molecular consequence: missense variant. On other transcripts: non-coding transcript variant (1).
Genome position (GRCh38, 1-based): chr19:50,399,052, C>G. VCF-style: chr19-50399052-C-G. GRCh37 (hg19) VCF-style: chr19-50902309-C-G.
Other names: c.201C>G, p.Asp67Glu (NM_001256849.1, NM_001308632.1); short protein forms D67E.
Identifiers: ClinVar variation 2692036 (VCV002692036.6), dbSNP rs753863287, ClinGen allele CA406970364.

ClinVar aggregate classification (germline): Uncertain significance. Review status: criteria provided, multiple submitters, no conflicts (2 of 4 stars). 2 submissions from 2 submitters: Uncertain significance (2). Last evaluated 2025-12-29.

Conditions:
POLD1-related polyposis and colorectal cancer syndrome (CRCS10). Also called: Colorectal cancer 10; Colorectal cancer, susceptibility to, 10; COLORECTAL CANCER, SUSCEPTIBILITY TO, ON CHROMOSOME 19q. Identifiers: Orphanet 220460, MedGen C2675481, MONDO:0012953, OMIM 612591.

gnomAD v4.1: 1 of 1,552,328 alleles (0.000064%); highest among the groups gnomAD compares: Admixed American, 0.002%; no homozygotes.

Submissions (2):

Center for Genomic Medicine, Rigshospitalet, Copenhagen University Hospital
Classification: Uncertain significance. Last evaluated: 2025-12-29. Review status: criteria provided, single submitter. Criteria: ACMG Guidelines, 2015. Collection method: clinical testing. Allele origin: germline.

Labcorp Genetics (formerly Invitae), Labcorp
Classification: Uncertain significance for POLD1-related polyposis and colorectal cancer syndrome. Last evaluated: 2024-08-01. Review status: criteria provided, single submitter. Criteria: Invitae Variant Classification Sherloc (09022015). Collection method: clinical testing. Allele origin: germline.
Comment: This sequence change replaces aspartic acid, which is acidic and polar, with glutamic acid, which is acidic and polar, at codon 67 of the POLD1 protein (p.Asp67Glu). This variant is present in population databases (no rsID available, gnomAD 0.004%). This variant has not been reported in the literature in individuals affected with POLD1-related conditions. An algorithm developed to predict the effect of missense changes on protein structure and function outputs the following: PolyPhen-2: "Benign". The glutamic acid amino acid residue is found in multiple mammalian species, which suggests that this missense change does not adversely affect protein function. In summary, the available evidence is currently insufficient to determine the role of this variant in disease. Therefore, it has been classified as a Variant of Uncertain Significance.